The following is an entry in ClinVar:

ClinVar aggregate classification (germline): Uncertain significance (1 of 4 stars; one submission).

Submission:

Labcorp Genetics (formerly Invitae), Labcorp
Classification: Uncertain significance. Last evaluated: 2022-06-27. Review status: criteria provided, single submitter. Criteria: Invitae Variant Classification Sherloc (09022015). Collection method: clinical testing. Allele origin: germline.
Comment: This variant has not been reported in the literature in individuals affected with NKX6-2-related conditions. This variant is not present in population databases (gnomAD no frequency). This sequence change replaces proline, which is neutral and non-polar, with serine, which is neutral and polar, at codon 137 of the NKX6-2 protein (p.Pro137Ser). Algorithms developed to predict the effect of missense changes on protein structure and function (SIFT, PolyPhen-2, Align-GVGD) all suggest that this variant is likely to be tolerated. In summary, the available evidence is currently insufficient to determine the role of this variant in disease. Therefore, it has been classified as a Variant of Uncertain Significance.

NM_177400.3(NKX6-2):c.409C>T (p.Pro137Ser)

Gene: NKX6-2 (NK6 homeobox 2; minus strand). Cytogenetic location: 10q26.3.
Variant type: single nucleotide variant.
Coding change: c.409C>T on transcript NM_177400.3 (MANE Select); coding-DNA position 409, C replaced by T.
Protein change: p.Pro137Ser; replaces proline 137 with serine.
Molecular consequence: missense variant.
Genome position (GRCh38, 1-based): chr10:132,785,450, G>A on the plus strand (C>T on the coding strand, the complement: NKX6-2 is on the minus strand). VCF-style: chr10-132785450-G-A. GRCh37 (hg19) VCF-style: chr10-134598954-G-A.
Other names: short protein forms P137S.
Identifiers: ClinVar variation 1415132 (VCV001415132.6), dbSNP rs749254489, ClinGen allele CA378770490.